The following is an entry in ClinVar:

ClinVar aggregate classification (germline): Uncertain significance (0 of 4 stars; one submission).

Allele frequency attached by ClinVar (database versions not stated): gnomAD exomes below 0.00001.
gnomAD v4.1: 1 of 1,614,074 alleles (0.000062%); highest among the groups gnomAD compares: East Asian, 0.0022%; no homozygotes.

Submission:

Martin Pollak Laboratory,  Beth Israel Deaconess Medical Center
Classification: Uncertain significance. Review status: no assertion criteria provided. Collection method: not provided. Allele origin: unknown.
Comment: Lower UCa2+ group
ClinVar note: Converted during submission from unknown to Uncertain significance.

NM_032387.5(WNK4):c.1892G>A (p.Gly631Asp)

Gene: WNK4 (WNK lysine deficient protein kinase 4; plus strand). Cytogenetic location: 17q21.2.
Variant type: single nucleotide variant.
Coding change: c.1892G>A on transcript NM_032387.5 (MANE Select); coding-DNA position 1892, G replaced by A.
Protein change: p.Gly631Asp; replaces glycine 631 with aspartic acid.
Molecular consequence: missense variant.
Genome position (GRCh38, 1-based): chr17:42,788,158, G>A. VCF-style: chr17-42788158-G-A. GRCh37 (hg19) VCF-style: chr17-40940176-G-A.
Other names: c.884G>A, p.Gly295Asp (NM_001321299.2); short protein forms G631D, G295D.
Identifiers: ClinVar variation 64597 (VCV000064597.2), dbSNP rs387907557, ClinGen allele CA216480.